The following is an entry in ClinVar:

NM_024989.4(PGAP1):c.2004T>A (p.Asp668Glu)

Gene: PGAP1 (post-GPI attachment to proteins inositol deacylase 1; minus strand). Cytogenetic location: 2q33.1.
Variant type: single nucleotide variant.
Coding change: c.2004T>A on transcript NM_024989.4 (MANE Select); coding-DNA position 2004, T replaced by A.
Protein change: p.Asp668Glu; replaces aspartic acid 668 with glutamic acid.
Molecular consequence: missense variant.
Genome position (GRCh38, 1-based): chr2:196,847,149, A>T on the plus strand (T>A on the coding strand, the complement: PGAP1 is on the minus strand). VCF-style: chr2-196847149-A-T. GRCh37 (hg19) VCF-style: chr2-197711873-A-T.
Other names: c.1482T>A, p.Asp494Glu (NM_001321099.2); c.837T>A, p.Asp279Glu (NM_001321100.2); short protein forms D279E, D494E, D668E.
Identifiers: ClinVar variation 1062812 (VCV001062812.6), dbSNP rs200637575, ClinGen allele CA62804530.

ClinVar aggregate classification (germline): Uncertain significance (1 of 4 stars; one submission).

Conditions:
Intellectual disability, autosomal recessive 42 (NEDDSBA). Also called: GLYCOSYLPHOSPHATIDYLINOSITOL BIOSYNTHESIS DEFECT 9; Neurodevelopmental disorder with dysmorphic features, spasticity, and brain abnormalities. Identifiers: Orphanet 88616, MedGen C4014343, MONDO:0014348, OMIM 615802.

Allele frequency attached by ClinVar (database versions not stated): gnomAD exomes 0.00001 and 0.00005; gnomAD 0.00002; TOPMed 0.00004.
gnomAD v4.1: 74 of 1,613,156 alleles (0.0046%); highest among the groups gnomAD compares: Non-Finnish European, 0.0062%; no homozygotes.

Submission:

Labcorp Genetics (formerly Invitae), Labcorp
Classification: Uncertain significance for Intellectual disability, autosomal recessive 42. Last evaluated: 2022-07-19. Review status: criteria provided, single submitter. Criteria: Invitae Variant Classification Sherloc (09022015). Collection method: clinical testing. Allele origin: germline.
Comment: This sequence change replaces aspartic acid, which is acidic and polar, with glutamic acid, which is acidic and polar, at codon 668 of the PGAP1 protein (p.Asp668Glu). This variant is present in population databases (rs200637575, gnomAD 0.003%). This variant has not been reported in the literature in individuals affected with PGAP1-related conditions. ClinVar contains an entry for this variant (Variation ID: 1062812). Algorithms developed to predict the effect of missense changes on protein structure and function (SIFT, PolyPhen-2, Align-GVGD) all suggest that this variant is likely to be tolerated. In summary, the available evidence is currently insufficient to determine the role of this variant in disease. Therefore, it has been classified as a Variant of Uncertain Significance.